The following is an entry in ClinVar:

ClinVar aggregate classification (germline): Uncertain significance (1 of 4 stars; one submission).

Conditions:
Duchenne muscular dystrophy (DMD). Also called: MUSCULAR DYSTROPHY, PSEUDOHYPERTROPHIC PROGRESSIVE, DUCHENNE TYPE; Duchenne Muscular Dystrophy (DMD). Identifiers: Orphanet 98896, MedGen C0013264, MONDO:0010679, OMIM 310200.

Submission:

Labcorp Genetics (formerly Invitae), Labcorp
Classification: Uncertain significance for Duchenne muscular dystrophy. Last evaluated: 2022-03-18. Review status: criteria provided, single submitter. Criteria: Invitae Variant Classification Sherloc (09022015). Collection method: clinical testing. Allele origin: germline.
Comment: This sequence change falls in intron 22 of the DMD gene. It does not directly change the encoded amino acid sequence of the DMD protein. This variant is not present in population databases (gnomAD no frequency). This variant has not been reported in the literature in individuals affected with DMD-related conditions. Algorithms developed to predict the effect of sequence changes on RNA splicing suggest that this variant may create or strengthen a splice site. In summary, the available evidence is currently insufficient to determine the role of this variant in disease. Therefore, it has been classified as a Variant of Uncertain Significance.

NM_004006.3(DMD):c.2950-8T>A

Gene: DMD (dystrophin; minus strand). Cytogenetic location: Xp21.1.
Variant type: single nucleotide variant.
Coding change: c.2950-8T>A on transcript NM_004006.3 (MANE Select); 8 bases into the intron before coding-DNA position 2950, T replaced by A.
Molecular consequence: intron variant.
Genome position (GRCh38, 1-based): chrX:32,468,718, A>T on the plus strand (T>A on the coding strand, the complement: DMD is on the minus strand). VCF-style: chrX-32468718-A-T. GRCh37 (hg19) VCF-style: chrX-32486835-A-T.
Other names: c.2926-8T>A (NM_000109.4); c.2938-8T>A (NM_004009.3); c.2581-8T>A (NM_004010.3).
Identifiers: ClinVar variation 2069029 (VCV002069029.4), dbSNP rs2524617756, ClinGen allele CA2580100767.